The following is an entry in ClinVar:

ClinVar aggregate classification (germline): Pathogenic (1 of 4 stars; one submission).

Conditions:
Neurofibromatosis, type 1 (NF1). Also called: VON RECKLINGHAUSEN DISEASE; NEUROFIBROMATOSIS, TYPE I, SOMATIC; Neurofibromatosis, type I; Peripheral type neurofibromatosis. Identifiers: Orphanet 636, MedGen C0027831, MONDO:0018975, OMIM 162200. Disease mechanism: loss of function.

Submission:

Labcorp Genetics (formerly Invitae), Labcorp
Classification: Pathogenic for Neurofibromatosis, type 1. Last evaluated: 2022-08-16. Review status: criteria provided, single submitter. Criteria: Invitae Variant Classification Sherloc (09022015). Collection method: clinical testing. Allele origin: germline.
Comment: Algorithms developed to predict the effect of sequence changes on RNA splicing suggest that this variant may disrupt the consensus splice site. For these reasons, this variant has been classified as Pathogenic. This sequence change creates a premature translational stop signal (p.Ala617Ilefs*13) in the NF1 gene. It is expected to result in an absent or disrupted protein product. Loss-of-function variants in NF1 are known to be pathogenic (PMID: 10712197, 23913538). This variant is not present in population databases (gnomAD no frequency). This variant has not been reported in the literature in individuals affected with NF1-related conditions.

Literature cited by the submitters: PubMed 10712197; PubMed 23913538.

NC_000017.11:g.31225094GCAG[1]

Gene: NF1 (neurofibromin 1; plus strand). Cytogenetic location: 17q11.2.
Variant type: Microsatellite.
Genome position: GRCh38 VCF-style: chr17-31225093-AGCAG-A. GRCh37 (hg19) VCF-style: chr17-29552111-AGCAG-A.
Identifiers: ClinVar variation 1427168 (VCV001427168.6), dbSNP rs2144025582, ClinGen allele CA2580614047.